The following is an entry in ClinVar:

NM_000552.5(VWF):c.1213_1214insATCCCA (p.Phe404_Thr405insAsnPro)

Gene: VWF (von Willebrand factor; minus strand). Cytogenetic location: 12p13.31.
Variant type: Insertion.
Coding change: c.1213_1214insATCCCA on transcript NM_000552.5 (MANE Select); coding-DNA positions 1213 to 1214, ATCCCA inserted.
Protein change: p.Phe404_Thr405insAsnPro.
Molecular consequence: inframe insertion.
Genome position: GRCh38 VCF-style: chr12-6065216-G-GTGGGAT. GRCh37 (hg19) VCF-style: chr12-6174382-G-GTGGGAT.
Other names: NM_000552.5(VWF):c.1213_1214insATCCCA; p.Phe404_Thr405insAsnPro.
Identifiers: ClinVar variation 100177 (VCV000100177.3), dbSNP rs61754006, ClinGen allele CA228265.

ClinVar aggregate classification (germline): Likely pathogenic. Review status: reviewed by expert panel (3 of 4 stars). 3 submissions from 3 submitters: Likely pathogenic (1). 2 of the submissions do not count toward it. Last evaluated 2024-12-03.

Conditions:
Von Willebrand disease type 2A. Identifiers: Orphanet 166084, MedGen C1282968, MONDO:0015628. Inheritance: Autosomal recessive or autosomal dominant.

Submissions (3):

ClinGen von Willebrand Disease Variant Curation Expert Panel, ClinGen
Classification: Likely pathogenic for Von Willebrand disease type 2A. Last evaluated: 2024-12-03. Review status: reviewed by expert panel. Criteria: ClinGen VWD 2A B M Rules. Collection method: curation. Allele origin: germline. Inheritance: Autosomal recessive inheritance.
Comment: The NM_000552.5:c.1213_1214insATCCCA variant is predicted to cause a change in the length of the protein due to an in-frame insertion of 2 amino acids in a non-repeat region (p.Phe404_Thr405insAsnPro) (PM4). This variant is absent from gnomAD v4.1 (PM2_Supporting). Multimerization assay performed with the NM_000552.5:c.1213_1214insATCCCA (p.Phe404_Thr405insAsnPro) recombinant mutant and WT control vWF expressed by COS-7 showed abnormal multimers indicating that this variant has a damaging effect on protein function (PMID 9569179)(PS3). The publication includes HMWM gels for the patient and the COS-7 model. At least 1 patient with this variant displayed excessive mucocutaneous bleeding (bleeding time >30 min.) as well as laboratory phenotypes of very low VWF activity (VWF:RCo 10 U/dL), low VWF:RCo/VWF:Ag ratio (0.2), and loss of high molecular weight multimers, which together are highly specific for VWD type 2A. (PP4_moderate, PMID: 9569179, PMID: 6982283). The additional consistent phenotype of FVIII activity consistent with VWF antigen (ratio 1.34) was also reported. Family studies indicate a recessive mode of inheritance. In summary, this variant meets the criteria to be classified as likely pathogenic for von Willebrand disease type 2A based on the ACMG/AMP criteria applied, as specified by the ClinGen VWD VCEP: PP4_Moderate, PM4, PM2_Supporting, and PS3. (ClinGen von Willebrand Disease Expert Panel Specifications to the ACMG/AMP Variant Interpretation Guidelines for VWF Version 1.0.0; date of approval)

OMIM
Classification: Pathogenic for VON WILLEBRAND DISEASE, TYPE 2A. Last evaluated: 2006-10-01. Review status: no assertion criteria provided. Collection method: literature only. Allele origin: germline. Not counted in ClinVar's aggregate classification.

Academic Unit of Haematology, University of Sheffield
No classification provided. Review status: no classification provided. Collection method: not provided. Allele origin: not provided. Not counted in ClinVar's aggregate classification.

Literature cited by the submitters: PubMed 9569179 (cited by ClinGen von Willebrand Disease Variant Curation Expert Panel, ClinGen and OMIM); PubMed 6767976 (cited by OMIM); PubMed 16889557 (cited by OMIM).